The following is an entry in ClinVar:

ClinVar aggregate classification (germline): Uncertain significance (1 of 4 stars; one submission).

Conditions:
Primary ciliary dyskinesia. Also called: Ciliary dyskinesia. Identifiers: Orphanet 244, MedGen C0008780, MONDO:0016575, HP:0012265.

Allele frequency attached by ClinVar (database versions not stated): ExAC 0.00001; gnomAD exomes 0.00001.
gnomAD v4.1: 10 of 1,605,660 alleles (0.00062%); highest among the groups gnomAD compares: Non-Finnish European, 0.00077%; no homozygotes.

Submission:

Labcorp Genetics (formerly Invitae), Labcorp
Classification: Uncertain significance for Primary ciliary dyskinesia. Last evaluated: 2025-11-03. Review status: criteria provided, single submitter. Criteria: Invitae Variant Classification Sherloc (09022015). Collection method: clinical testing. Allele origin: germline.
Comment: This sequence change replaces glycine, which is neutral and non-polar, with arginine, which is basic and polar, at codon 13 of the DNAH8 protein (p.Gly13Arg). This variant is present in population databases (rs777885822, gnomAD 0.01%). This variant has not been reported in the literature in individuals affected with DNAH8-related conditions. ClinVar contains an entry for this variant (Variation ID: 1992248). Experimental studies and prediction algorithms are not available or were not evaluated, and the functional significance of this variant is currently unknown. In summary, the available evidence is currently insufficient to determine the role of this variant in disease. Therefore, it has been classified as a Variant of Uncertain Significance.

NM_001206927.2(DNAH8):c.37G>A (p.Gly13Arg)

Genes: DNAH8 (dynein axonemal heavy chain 8; plus strand), LOC126859667 (BRD4-independent group 4 enhancer GRCh37_chr6:38690326-38691525; plus strand). Cytogenetic location: 6p21.2.
Variant type: single nucleotide variant.
Coding change: c.37G>A on transcript NM_001206927.2 (MANE Select); coding-DNA position 37, G replaced by A.
Protein change: p.Gly13Arg; replaces glycine 13 with arginine.
Molecular consequence: missense variant. On other transcripts: 5 prime UTR variant (1).
Genome position (GRCh38, 1-based): chr6:38,722,846, G>A. VCF-style: chr6-38722846-G-A. GRCh37 (hg19) VCF-style: chr6-38690622-G-A.
Other names: c.-530G>A (NM_001371.4); short protein forms G13R.
Identifiers: ClinVar variation 1992248 (VCV001992248.4), dbSNP rs777885822, ClinGen allele CA3787834.